The following is an entry in ClinVar:

ClinVar aggregate classification (germline): Pathogenic (1 of 4 stars; one submission).

Submission:

GeneDx
Classification: Pathogenic. Last evaluated: 2014-06-18. Review status: criteria provided, single submitter. Criteria: GeneDx Variant Classification (06012015). Collection method: clinical testing. Allele origin: germline. Affected: yes.
Comment: c.3401delA: p.Lys1134SerfsX2 (K1134SfsX2) in exon 18 of the SCN2A gene (NM_021007.2). Using uppercase to denote exonic nucleotides and lower case to denote intronic nucleotides, the normal sequence with the bases that are deleted in braces is: cagA{A}GCTA. The c.3401delA mutation in the SCN2A gene causes a frameshift starting with codon Lysine 1134, changes this amino acid to a Serine residue and creates a premature Stop codon at position 2 of the new reading frame, denoted p.Lys1134SerfsX2. This mutation is predicted to cause loss of normal protein function either through protein truncation or nonsense-mediated mRNA decay. The variant is found in EPILEPSY panel(s).

NM_001040142.2(SCN2A):c.3401del (p.Lys1134fs)

Gene: SCN2A (sodium voltage-gated channel alpha subunit 2; plus strand). Cytogenetic location: 2q24.3.
Variant type: Deletion.
Coding change: c.3401del on transcript NM_001040142.2 (MANE Select); coding-DNA position 3401, one base deleted (A; older notation c.3401delA).
Protein change: p.Lys1134fs; shifts the reading frame from lysine 1134.
Molecular consequence: frameshift variant.
Genome position (GRCh38, 1-based): chr2:165,365,144, A deleted; the last of 2 consecutive A bases (chr2:165,365,143-165,365,144); deleting either gives the same sequence. VCF-style (leftmost placement, unchanged base first): chr2-165365142-GA-G. GRCh37 (hg19) VCF-style: chr2-166221652-GA-G.
Other names: c.3401del, p.Lys1134fs (NM_001040143.2, NM_001371246.1, NM_001371247.1 and 1 more transcripts); c.3401delA (NM_021007.2); short protein forms K1134fs.
Identifiers: ClinVar variation 207075 (VCV000207075.1), dbSNP rs796053192, ClinGen allele CA318175.